The following is an entry in ClinVar:

NM_006895.3(HNMT):c.276T>C (p.Ala92=)

Gene: HNMT (histamine N-methyltransferase; plus strand). Cytogenetic location: 2q22.1.
Variant type: single nucleotide variant.
Coding change: c.276T>C on transcript NM_006895.3 (MANE Select); coding-DNA position 276, T replaced by C.
Protein change: p.Ala92=; no amino-acid change (alanine 92 retained).
Molecular consequence: synonymous variant.
Genome position (GRCh38, 1-based): chr2:138,001,003, T>C. VCF-style: chr2-138001003-T-C. GRCh37 (hg19) VCF-style: chr2-138758573-T-C.
Identifiers: ClinVar variation 3234771 (VCV003234771.20), dbSNP rs767244384, ClinGen allele CA1891724.
Genomic context (GRCh38, chr2:138,001,003, plus strand): 5'-CAAAGTTCAGGCTCAATACCCAGGAGTTTGTATCAACAATGAAGTTGTTGAGCCAAGTGC[T>C]GAACAAATTGCCAAATACAAAGGTACCTGTAACTCCTGGTCCTCTACACCAGATCCTATC-3'
Protein context (NP_008826.1, residues 82-102): CINNEVVEPS[Ala92=]EQIAKYKELV

ClinVar aggregate classification (germline): Likely benign (1 of 4 stars; one submission).

Allele frequency attached by ClinVar (database versions not stated): gnomAD exomes below 0.00001; TOPMed below 0.00001; ExAC 0.00001; gnomAD 0.00001.
gnomAD v4.1: 4 of 1,605,138 alleles (0.00025%); highest among the groups gnomAD compares: Admixed American, 0.0068%; no homozygotes.

Submission:

CeGaT Center for Human Genetics Tuebingen
Classification: Likely benign. Last evaluated: 2024-04-01. Review status: criteria provided, single submitter. Criteria: CeGaT Center For Human Genetics Tuebingen Variant Classification Criteria Version 2. Collection method: clinical testing. Allele origin: germline. Affected: yes. Observed: 1 variant allele.
Comment: HNMT: BP4, BP7